The following is an entry in ClinVar:

NM_000179.3(MSH6):c.2455G>C (p.Glu819Gln)

Gene: MSH6 (mutS homolog 6; plus strand). Cytogenetic location: 2p16.3.
Variant type: single nucleotide variant.
Coding change: c.2455G>C on transcript NM_000179.3 (MANE Select); coding-DNA position 2455, G replaced by C.
Protein change: p.Glu819Gln; replaces glutamic acid 819 with glutamine.
Molecular consequence: missense variant.
Genome position (GRCh38, 1-based): chr2:47,800,438, G>C. VCF-style: chr2-47800438-G-C. GRCh37 (hg19) VCF-style: chr2-48027577-G-C.
Other names: c.2065G>C, p.Glu689Gln (NM_001281492.2); c.1549G>C, p.Glu517Gln (NM_001281493.2, NM_001281494.2); short protein forms E517Q, E689Q, E819Q.
Identifiers: ClinVar variation 960202 (VCV000960202.12), dbSNP rs1669466483, ClinGen allele CA346754077.

ClinVar aggregate classification (germline): Uncertain significance. Review status: criteria provided, multiple submitters, no conflicts (2 of 4 stars). 2 submissions from 2 submitters: Uncertain significance (2). Last evaluated 2023-05-16.

Conditions:
Hereditary nonpolyposis colorectal neoplasms. Identifiers: MedGen C0009405, MeSH D003123.
Hereditary cancer-predisposing syndrome. Also called: Tumor predisposition; Hereditary neoplastic syndrome; Neoplastic Syndromes, Hereditary; Hereditary Cancer Syndrome. Identifiers: Orphanet 140162, MedGen C0027672, MeSH D009386, MONDO:0015356.

Submissions (2):

Ambry Genetics
Classification: Uncertain significance for Hereditary cancer-predisposing syndrome. Last evaluated: 2023-05-16. Review status: criteria provided, single submitter. Criteria: Ambry Variant Classification Scheme 2023. Collection method: clinical testing. Allele origin: germline.
Comment: The p.E819Q variant (also known as c.2455G>C), located in coding exon 4 of the MSH6 gene, results from a G to C substitution at nucleotide position 2455. The glutamic acid at codon 819 is replaced by glutamine, an amino acid with highly similar properties. This amino acid position is highly conserved in available vertebrate species. In addition, this alteration is predicted to be deleterious by in silico analysis. Since supporting evidence is limited at this time, the clinical significance of this alteration remains unclear.

Labcorp Genetics (formerly Invitae), Labcorp
Classification: Uncertain significance for Hereditary nonpolyposis colorectal neoplasms. Last evaluated: 2019-10-29. Review status: criteria provided, single submitter. Criteria: Invitae Variant Classification Sherloc (09022015). Collection method: clinical testing. Allele origin: germline.
Comment: In summary, the available evidence is currently insufficient to determine the role of this variant in disease. Therefore, it has been classified as a Variant of Uncertain Significance. Algorithms developed to predict the effect of missense changes on protein structure and function (SIFT, PolyPhen-2, Align-GVGD) all suggest that this variant is likely to be disruptive, but these predictions have not been confirmed by published functional studies and their clinical significance is uncertain. This variant has not been reported in the literature in individuals with MSH6-related conditions. This variant is not present in population databases (ExAC no frequency). This sequence change replaces glutamic acid with glutamine at codon 819 of the MSH6 protein (p.Glu819Gln). The glutamic acid residue is highly conserved and there is a small physicochemical difference between glutamic acid and glutamine.